The following is an entry in ClinVar:

NM_032520.5(GNPTG):c.886C>T (p.Arg296Trp)

Gene: GNPTG (N-acetylglucosamine-1-phosphate transferase subunit gamma; plus strand). Cytogenetic location: 16p13.3.
Variant type: single nucleotide variant.
Coding change: c.886C>T on transcript NM_032520.5 (MANE Select); coding-DNA position 886, C replaced by T.
Protein change: p.Arg296Trp; replaces arginine 296 with tryptophan.
Molecular consequence: missense variant.
Genome position (GRCh38, 1-based): chr16:1,363,059, C>T. VCF-style: chr16-1363059-C-T. GRCh37 (hg19) VCF-style: chr16-1413060-C-T.
Other names: short protein forms R296W.
Identifiers: ClinVar variation 1417426 (VCV001417426.3), dbSNP rs150647450, ClinGen allele CA7808022.

ClinVar aggregate classification (germline): Uncertain significance (1 of 4 stars; one submission).

Allele frequency attached by ClinVar (database versions not stated): gnomAD 0.00001; TOPMed 0.00003.

Submission:

Labcorp Genetics (formerly Invitae), Labcorp
Classification: Uncertain significance. Last evaluated: 2022-07-26. Review status: criteria provided, single submitter. Criteria: Invitae Variant Classification Sherloc (09022015). Collection method: clinical testing. Allele origin: germline.
Comment: This sequence change replaces arginine, which is basic and polar, with tryptophan, which is neutral and slightly polar, at codon 296 of the GNPTG protein (p.Arg296Trp). This variant is present in population databases (rs150647450, gnomAD 0.006%). This variant has not been reported in the literature in individuals affected with GNPTG-related conditions. ClinVar contains an entry for this variant (Variation ID: 1417426). Algorithms developed to predict the effect of missense changes on protein structure and function are either unavailable or do not agree on the potential impact of this missense change (SIFT: "Deleterious"; PolyPhen-2: "Probably Damaging"; Align-GVGD: "Class C0"). In summary, the available evidence is currently insufficient to determine the role of this variant in disease. Therefore, it has been classified as a Variant of Uncertain Significance.